The following is an entry in ClinVar:

NM_000553.6(WRN):c.1036A>G (p.Thr346Ala)

Gene: WRN (WRN RecQ like helicase; plus strand). Cytogenetic location: 8p12.
Variant type: single nucleotide variant.
Coding change: c.1036A>G on transcript NM_000553.6 (MANE Select); coding-DNA position 1036, A replaced by G.
Protein change: p.Thr346Ala; replaces threonine 346 with alanine.
Molecular consequence: missense variant.
Genome position (GRCh38, 1-based): chr8:31,081,063, A>G. VCF-style: chr8-31081063-A-G. GRCh37 (hg19) VCF-style: chr8-30938579-A-G.
Other names: short protein forms T346A.
Identifiers: ClinVar variation 857008 (VCV000857008.5), dbSNP rs1439559895, ClinGen allele CA370920370.
Genomic context (GRCh38, chr8:31,081,063, plus strand): 5'-GGGGGAGTACAACAGAAACAAATTAGAGAACATGAAGTTTTAATTCACGTTGAAGATGAA[A>G]CATGGGACCCAACACTTGATCATTTAGCTAAACATGATGGAGAAGATGTACTTGGAAATA-3'
Protein context (NP_000544.2, residues 336-356): HEVLIHVEDE[Thr346Ala]WDPTLDHLAK

ClinVar aggregate classification (germline): Uncertain significance (1 of 4 stars; one submission).

Conditions:
Werner syndrome (WRN). Identifiers: Orphanet 902, MedGen C0043119, MONDO:0010196, OMIM 277700.

Allele frequency attached by ClinVar (database versions not stated): TOPMed 0.00002.
gnomAD v4.1: 8 of 1,614,052 alleles (0.0005%); highest among the groups gnomAD compares: Non-Finnish European, 0.00068%; no homozygotes.

Submission:

Labcorp Genetics (formerly Invitae), Labcorp
Classification: Uncertain significance for Werner syndrome. Last evaluated: 2021-08-23. Review status: criteria provided, single submitter. Criteria: Invitae Variant Classification Sherloc (09022015). Collection method: clinical testing. Allele origin: germline.
Comment: This sequence change replaces threonine with alanine at codon 346 of the WRN protein (p.Thr346Ala). The threonine residue is weakly conserved and there is a small physicochemical difference between threonine and alanine. This variant is not present in population databases (ExAC no frequency). This variant has not been reported in the literature in individuals with WRN-related conditions. Algorithms developed to predict the effect of missense changes on protein structure and function output the following: SIFT: "Not Available"; PolyPhen-2: "Benign"; Align-GVGD: "Not Available". The alanine amino acid residue is found in multiple mammalian species, suggesting that this missense change does not adversely affect protein function. These predictions have not been confirmed by published functional studies and their clinical significance is uncertain. In summary, the available evidence is currently insufficient to determine the role of this variant in disease. Therefore, it has been classified as a Variant of Uncertain Significance.